The following is an entry in ClinVar:

NM_004006.3(DMD):c.7784T>A (p.Val2595Asp)

Gene: DMD (dystrophin; minus strand). Cytogenetic location: Xp21.1.
Variant type: single nucleotide variant.
Coding change: c.7784T>A on transcript NM_004006.3 (MANE Select); coding-DNA position 7784, T replaced by A.
Protein change: p.Val2595Asp; replaces valine 2595 with aspartic acid.
Molecular consequence: missense variant.
Genome position (GRCh38, 1-based): chrX:31,679,463, A>T on the plus strand (T>A on the coding strand, the complement: DMD is on the minus strand). VCF-style: chrX-31679463-A-T. GRCh37 (hg19) VCF-style: chrX-31697580-A-T.
Other names: c.7772T>A, p.Val2591Asp (NM_004009.3); c.7415T>A, p.Val2472Asp (NM_004010.3); c.3761T>A, p.Val1254Asp (NM_004011.4); c.3752T>A, p.Val1251Asp (NM_004012.4); c.404T>A, p.Val135Asp (NM_004013.3, NM_004020.4, NM_004021.3 and 2 more transcripts); c.7760T>A, p.Val2587Asp (NM_000109.4); short protein forms V2587D, V135D, V2472D, V2591D, V1251D, V1254D, V2595D.
Identifiers: ClinVar variation 962435 (VCV000962435.7), dbSNP rs2082257158, ClinGen allele CA412656741.

ClinVar aggregate classification (germline): Uncertain significance (1 of 4 stars; one submission).

Conditions:
Duchenne muscular dystrophy (DMD). Also called: MUSCULAR DYSTROPHY, PSEUDOHYPERTROPHIC PROGRESSIVE, DUCHENNE TYPE; Duchenne Muscular Dystrophy (DMD). Identifiers: Orphanet 98896, MedGen C0013264, MONDO:0010679, OMIM 310200.

Allele frequency attached by ClinVar (database versions not stated): gnomAD exomes below 0.00001.
gnomAD v4.1: 1 of 1,211,655 alleles (0.000083%); highest among the groups gnomAD compares: Non-Finnish European, 0.00011%; no homozygotes.

Submission:

Labcorp Genetics (formerly Invitae), Labcorp
Classification: Uncertain significance for Duchenne muscular dystrophy. Last evaluated: 2021-09-01. Review status: criteria provided, single submitter. Criteria: Invitae Variant Classification Sherloc (09022015). Collection method: clinical testing. Allele origin: germline.
Comment: This sequence change replaces valine with aspartic acid at codon 2595 of the DMD protein (p.Val2595Asp). The valine residue is highly conserved and there is a large physicochemical difference between valine and aspartic acid. This variant is not present in population databases (ExAC no frequency). This variant has not been reported in the literature in individuals affected with DMD-related conditions. Algorithms developed to predict the effect of missense changes on protein structure and function (SIFT, PolyPhen-2, Align-GVGD) all suggest that this variant is likely to be disruptive. In summary, the available evidence is currently insufficient to determine the role of this variant in disease. Therefore, it has been classified as a Variant of Uncertain Significance.